The following is an entry in ClinVar:

ClinVar aggregate classification (germline): Likely benign. Review status: criteria provided, multiple submitters, no conflicts (2 of 4 stars). 5 submissions from 5 submitters: Likely benign (5). Last evaluated 2026-06-27.

Conditions:
Cardiomyopathy (CMYO). Also called: Cardiomyopathies. Identifiers: Orphanet 167848, MedGen C0878544, MONDO:0004994, HP:0001638. Inheritance: Various modes of inheritance.
Cardiovascular phenotype. Identifiers: MedGen CN230736.
Hypertrophic cardiomyopathy. Also called: HYPERTROPHIC MYOCARDIOPATHY. Identifiers: Orphanet 217569, MedGen C0007194, MeSH D002312, MONDO:0005045, HP:0001639.

Allele frequency attached by ClinVar (database versions not stated): gnomAD 0.00001 and 0.00002; TOPMed 0.00001; 1000 Genomes Project 30x 0.00031; 1000 Genomes Project 0.00040; gnomAD exomes below 0.00001.
gnomAD v4.1: 7 of 1,614,074 alleles (0.00043%); highest among the groups gnomAD compares: Middle Eastern, 0.017%; no homozygotes.

Submissions (5):

Ambry Genetics
Classification: Likely benign for Cardiovascular phenotype. Last evaluated: 2026-06-27. Review status: criteria provided, single submitter. Criteria: Ambry Variant Classification Scheme 2023. Collection method: clinical testing. Allele origin: germline.

Labcorp Genetics (formerly Invitae), Labcorp
Classification: Likely benign for Hypertrophic cardiomyopathy. Last evaluated: 2025-12-21. Review status: criteria provided, single submitter. Criteria: Invitae Variant Classification Sherloc (09022015). Collection method: clinical testing. Allele origin: germline.

Mayo Clinic Laboratories, Mayo Clinic
Classification: Likely benign. Last evaluated: 2025-05-12. Review status: criteria provided, single submitter. Criteria: ACMG Guidelines, 2015. Collection method: clinical testing. Allele origin: germline. Observed: 1 variant allele.
Comment: BP4, BP7, PM2_supporting

All of Us Research Program, National Institutes of Health
Classification: Likely benign for Cardiomyopathy. Last evaluated: 2024-04-16. Review status: criteria provided, single submitter. Criteria: ACMG Guidelines, 2015. Collection method: clinical testing. Allele origin: germline. Inheritance: Autosomal dominant inheritance. Observed: 2 variant alleles, 2 heterozygotes.
Comment: This study involves interpretation of variants in research participants for the purpose of population health screening. Participant phenotype was not available at the time of variant classification. Additional details can be found in publication PMID: 35346344, PMCID: PMC8962531

Color Diagnostics, LLC DBA Color Health
Classification: Likely benign for Cardiomyopathy. Last evaluated: 2018-12-01. Review status: criteria provided, single submitter. Criteria: ACMG Guidelines, 2015. Collection method: clinical testing. Allele origin: germline.

NM_000257.4(MYH7):c.3786G>A (p.Lys1262=)

Gene: MYH7 (myosin heavy chain 7; minus strand). Cytogenetic location: 14q11.2.
Variant type: single nucleotide variant.
Coding change: c.3786G>A on transcript NM_000257.4 (MANE Select); coding-DNA position 3786, G replaced by A.
Protein change: p.Lys1262=; no amino-acid change (lysine 1262 retained).
Molecular consequence: synonymous variant.
Genome position (GRCh38, 1-based): chr14:23,419,550, C>T on the plus strand (G>A on the coding strand, the complement: MYH7 is on the minus strand). VCF-style: chr14-23419550-C-T. GRCh37 (hg19) VCF-style: chr14-23888759-C-T.
Other names: p.Lys1262=.
Identifiers: ClinVar variation 928362 (VCV000928362.15), dbSNP rs45497796, ClinGen allele CA257815010.
Genomic context (GRCh38, chr14:23,419,550, plus strand): 5'-GGTTTGCAACTTGGCCCGCTGGCTGGTGAGGTCGTTGACAGAACGCTGGGTCTCCTCCGC[C>T]TTGCTCCGGTGCTCATTCATCTGGTCTTCCAAGGTCCGGCACATCTTCTCCAGGTTAGCC-3'
Protein context (NP_000248.2, residues 1252-1272): LEDQMNEHRS[Lys1262=]AEETQRSVND